The following is an entry in ClinVar:

NM_020987.5(ANK3):c.8777A>G (p.Lys2926Arg)

Gene: ANK3 (ankyrin 3; minus strand). Cytogenetic location: 10q21.2.
Variant type: single nucleotide variant.
Coding change: c.8777A>G on transcript NM_020987.5 (MANE Select); coding-DNA position 8777, A replaced by G.
Protein change: p.Lys2926Arg; replaces lysine 2926 with arginine.
Molecular consequence: missense variant. On other transcripts: intron variant (4).
Genome position (GRCh38, 1-based): chr10:60,072,104, T>C on the plus strand (A>G on the coding strand, the complement: ANK3 is on the minus strand). VCF-style: chr10-60072104-T-C. GRCh37 (hg19) VCF-style: chr10-61831862-T-C.
Other names: c.4388-4095A>G (NM_001204403.2); c.4409-4095A>G (NM_001204404.2); c.4406-4095A>G (NM_001320874.2); c.1808-4095A>G (NM_001149.4); short protein forms K2926R.
Identifiers: ClinVar variation 3365296 (VCV003365296.1).
Genomic context (GRCh38, chr10:60,072,104, plus strand): 5'-TCAAGCAATCCGCCTGGATGGTCCCCTTCTTTCACAACATATTCCCTATATAAGACTTTT[T>C]TGGAGGGAGATTTTACAGTCATTTCTTTAATTTCTGAGAGAGAGCCGTTTGTTAACAATT-3'
Protein context (NP_066267.2, residues 2916-2936): IKEMTVKSPS[Lys2926Arg]KVLYREYVVK

ClinVar aggregate classification (germline): Uncertain significance (1 of 4 stars; one submission).

gnomAD v4.1: 1 of 1,613,962 alleles (0.000062%); highest among the groups gnomAD compares: Admixed American, 0.0017%; no homozygotes.

Submission:

GeneDx
Classification: Uncertain significance. Last evaluated: 2023-12-10. Review status: criteria provided, single submitter. Criteria: GeneDx Variant Classification Process June 2021. Collection method: clinical testing. Allele origin: germline. Affected: yes.
Comment: In silico analysis supports that this missense variant does not alter protein structure/function; Has not been previously published as pathogenic or benign to our knowledge